The following is an entry in ClinVar:

NM_001393769.1(MED12L):c.4351C>G (p.Pro1451Ala)

Genes: MED12L (mediator complex subunit 12L; plus strand), P2RY12 (purinergic receptor P2Y12; minus strand). Cytogenetic location: 3q25.1.
Variant type: single nucleotide variant.
Coding change: c.4351C>G on transcript NM_001393769.1 (MANE Select); coding-DNA position 4351, C replaced by G.
Protein change: p.Pro1451Ala; replaces proline 1451 with alanine.
Molecular consequence: missense variant. On other transcripts: intron variant (1).
Genome position (GRCh38, 1-based): chr3:151,378,046, C>G. VCF-style: chr3-151378046-C-G. GRCh37 (hg19) VCF-style: chr3-151095834-C-G.
Other names: c.4246C>G, p.Pro1416Ala (NM_053002.6); c.-180+6646G>C (NM_022788.5); short protein forms P1451A, P1416A.
Identifiers: ClinVar variation 3394525 (VCV003394525.2).

ClinVar aggregate classification (germline): Uncertain significance (1 of 4 stars; one submission).

Conditions:
Inborn genetic diseases. Identifiers: MedGen C0950123, MeSH D030342.

Submission:

Ambry Genetics
Classification: Uncertain significance for Inborn genetic diseases. Last evaluated: 2025-07-02. Review status: criteria provided, single submitter. Criteria: Ambry Variant Classification Scheme 2023. Collection method: clinical testing. Allele origin: germline.
Comment: The c.4246C>G (p.P1416A) alteration is located in exon 29 (coding exon 29) of the MED12L gene. This alteration results from a C to G substitution at nucleotide position 4246, causing the proline (P) at amino acid position 1416 to be replaced by an alanine (A). This variant was not reported in population-based cohorts in the Genome Aggregation Database (gnomAD). This amino acid position is highly conserved in available vertebrate species. This alteration is predicted to be deleterious by in silico analysis. Based on insufficient or conflicting evidence, the clinical significance of this alteration remains unclear.